The following is an entry in ClinVar:

ClinVar aggregate classification (germline): Uncertain significance (1 of 4 stars; one submission).

Conditions:
Cardiovascular phenotype. Identifiers: MedGen CN230736.

gnomAD v4.1: 7 of 1,598,632 alleles (0.00044%); highest among the groups gnomAD compares: Middle Eastern, 0.017%; no homozygotes.

Submission:

Ambry Genetics
Classification: Uncertain significance for Cardiovascular phenotype. Last evaluated: 2023-07-10. Review status: criteria provided, single submitter. Criteria: Ambry Variant Classification Scheme 2023. Collection method: clinical testing. Allele origin: germline.
Comment: The p.P1126Q variant (also known as c.3377C>A), located in coding exon 6 of the ALPK3 gene, results from a C to A substitution at nucleotide position 3377. The proline at codon 1126 is replaced by glutamine, an amino acid with similar properties. This amino acid position is conserved. In addition, this alteration is predicted to be tolerated by in silico analysis. Since supporting evidence is limited at this time, the clinical significance of this alteration remains unclear.

NM_020778.5(ALPK3):c.2771C>A (p.Pro924Gln)

Gene: ALPK3 (alpha kinase 3; plus strand). Cytogenetic location: 15q25.3.
Variant type: single nucleotide variant.
Coding change: c.2771C>A on transcript NM_020778.5 (MANE Select); coding-DNA position 2771, C replaced by A.
Protein change: p.Pro924Gln; replaces proline 924 with glutamine.
Molecular consequence: missense variant.
Genome position (GRCh38, 1-based): chr15:84,857,509, C>A. VCF-style: chr15-84857509-C-A. GRCh37 (hg19) VCF-style: chr15-85400740-C-A.
Other names: short protein forms P924Q.
Identifiers: ClinVar variation 2624484 (VCV002624484.2), dbSNP rs1346027337, ClinGen allele CA393358314.